The following is an entry in ClinVar:

NM_001042492.3(NF1):c.6305A>T (p.Tyr2102Phe)

Gene: NF1 (neurofibromin 1; plus strand). Cytogenetic location: 17q11.2.
Variant type: single nucleotide variant.
Coding change: c.6305A>T on transcript NM_001042492.3 (MANE Select); coding-DNA position 6305, A replaced by T.
Protein change: p.Tyr2102Phe; replaces tyrosine 2102 with phenylalanine.
Molecular consequence: missense variant.
Genome position (GRCh38, 1-based): chr17:31,336,792, A>T. VCF-style: chr17-31336792-A-T. GRCh37 (hg19) VCF-style: chr17-29663810-A-T.
Other names: c.6242A>T, p.Tyr2081Phe (NM_000267.4); short protein forms Y2081F, Y2102F.
Identifiers: ClinVar variation 826264 (VCV000826264.4), dbSNP rs1162388561, ClinGen allele CA399012249.
Genomic context (GRCh38, chr17:31,336,792, plus strand): 5'-CACGCTACATGCTGATGCTGTCCTTCAACAATTCCCTTGATGTGGCAGCTCATCTTCCCT[A>T]CCTCTTCCACGTTGTTACTTTCTTAGTAGCCACAGGTCCGCTCTCCCTTAGAGCTTCCAC-3'
Protein context (NP_001035957.1, residues 2092-2112): NSLDVAAHLP[Tyr2102Phe]LFHVVTFLVA

ClinVar aggregate classification (germline): Uncertain significance (1 of 4 stars; one submission).

Conditions:
Hereditary cancer-predisposing syndrome. Also called: Neoplastic Syndromes, Hereditary; Tumor predisposition; Hereditary neoplastic syndrome; Hereditary Cancer Syndrome. Identifiers: Orphanet 140162, MedGen C0027672, MeSH D009386, MONDO:0015356.
Cardiovascular phenotype. Identifiers: MedGen CN230736.

Submission:

Ambry Genetics
Classification: Uncertain significance for Cardiovascular phenotype; Hereditary cancer-predisposing syndrome. Last evaluated: 2019-08-21. Review status: criteria provided, single submitter. Criteria: Ambry Variant Classification Scheme 2023. Collection method: clinical testing. Allele origin: germline.
Comment: The p.Y2081F variant (also known as c.6242A>T), located in coding exon 41 of the NF1 gene, results from an A to T substitution at nucleotide position 6242. The tyrosine at codon 2081 is replaced by phenylalanine, an amino acid with highly similar properties. This amino acid position is highly conserved in available vertebrate species. In addition, the in silico prediction for this alteration is inconclusive. Since supporting evidence is limited at this time, the clinical significance of this alteration remains unclear.